The following is an entry in ClinVar:

ClinVar aggregate classification (germline): Likely benign (1 of 4 stars; one submission).

gnomAD v4.1: 17 of 1,613,910 alleles (0.0011%); highest among the groups gnomAD compares: Non-Finnish European, 0.0014%; no homozygotes.

Submission:

CeGaT Center for Human Genetics Tuebingen
Classification: Likely benign. Last evaluated: 2026-01-01. Review status: criteria provided, single submitter. Criteria: CeGaT Center For Human Genetics Tuebingen Variant Classification Criteria Version 2. Collection method: clinical testing. Allele origin: germline. Affected: yes. Observed: 1 variant allele.
Comment: XPO5: BP4, BP7

NM_020750.3(XPO5):c.3402A>G (p.Leu1134=)

Genes: POLR1C (RNA polymerase I and III subunit C; plus strand), XPO5 (exportin 5; minus strand). Cytogenetic location: 6p21.1.
Variant type: single nucleotide variant.
Coding change: c.3402A>G on transcript NM_020750.3 (MANE Select); coding-DNA position 3402, A replaced by G.
Protein change: p.Leu1134=; no amino-acid change (leucine 1134 retained).
Molecular consequence: synonymous variant. On other transcripts: non-coding transcript variant (1), intron variant (2).
Genome position (GRCh38, 1-based): chr6:43,524,546, T>C on the plus strand (A>G on the coding strand, the complement: XPO5 is on the minus strand). VCF-style: chr6-43524546-T-C. GRCh37 (hg19) VCF-style: chr6-43492284-T-C.
Other names: c.922+3498T>C (NM_001363658.2, NM_001318876.2).
Identifiers: ClinVar variation 4822759 (VCV004822759.4).
Genomic context (GRCh38, chr6:43,524,546, plus strand): 5'-AATGAGGCGTTTGAATTGGTCCTTTCGGCGCTTGTCAGCCACTTTCTGCAGGGAGGGGTT[T>C]AAAAGCTTGCAGTCAAACTGGTCCAGTGAGTCCTTCTGTATTTCAGGGATTTGCTCCATT-3'
Protein context (NP_065801.1, residues 1124-1144): DSLDQFDCKL[Leu1134=]NPSLQKVADK